The following is an entry in ClinVar:

NM_020774.4(MIB1):c.-49_-41dup

Genes: MIB1 (MIB E3 ubiquitin protein ligase 1; plus strand), LOC130062254 (ATAC-STARR-seq lymphoblastoid silent region 9344; plus strand). Cytogenetic location: 18q11.2.
Variant type: Duplication.
Coding change: c.-49_-41dup on transcript NM_020774.4 (MANE Select); 49 bases upstream of the start codon through 41 bases upstream of the start codon, 9 bases duplicated (AGCGGCGGC; older notation c.-49_-41dupAGCGGCGGC).
Molecular consequence: 5 prime UTR variant.
Genome position (GRCh38, 1-based): chr18:21,741,535-21,741,543, AGCGGCGGC duplicated; duplicating any 9 consecutive bases within chr18:21,741,528-21,741,543 gives the same sequence; the c. name uses the placement nearest the transcript's 3' end. VCF-style (leftmost placement, unchanged base first): chr18-21741527-C-CCGGCGGCAG. GRCh37 (hg19) VCF-style: chr18-19321488-C-CCGGCGGCAG.
Other names: c.-49_-41dupAGCGGCGGC (NM_020774.3).
Identifiers: ClinVar variation 517912 (VCV000517912.1), dbSNP rs1313310854, ClinGen allele CA658799005.

ClinVar aggregate classification (germline): Likely benign (1 of 4 stars; one submission).

Submission:

GeneDx
Classification: Likely benign. Last evaluated: 2017-06-12. Review status: criteria provided, single submitter. Criteria: GeneDx Variant Classification (06012015). Collection method: clinical testing. Allele origin: germline. Affected: yes.
Comment: This variant is considered likely benign or benign based on one or more of the following criteria: it is a conservative change, it occurs at a poorly conserved position in the protein, it is predicted to be benign by multiple in silico algorithms, and/or has population frequency not consistent with disease.